The following is an entry in ClinVar:

ClinVar aggregate classification (germline): Uncertain significance (1 of 4 stars; one submission).

Conditions:
Congenital adrenal hyperplasia due to cytochrome P450 oxidoreductase deficiency. Also called: DISORDERED STEROIDOGENESIS DUE TO POR DEFICIENCY. Identifiers: Orphanet 95699, MedGen C1860042, MONDO:0013310, OMIM 613571.

Submission:

Labcorp Genetics (formerly Invitae), Labcorp
Classification: Uncertain significance for Congenital adrenal hyperplasia due to cytochrome P450 oxidoreductase deficiency. Last evaluated: 2024-03-20. Review status: criteria provided, single submitter. Criteria: Invitae Variant Classification Sherloc (09022015). Collection method: clinical testing. Allele origin: germline.
Comment: This variant, c.1196_1204dup, results in the insertion of 3 amino acid(s) of the POR protein (p.Pro399_Glu401dup), but otherwise preserves the integrity of the reading frame. This variant is not present in population databases (gnomAD no frequency). This variant has not been reported in the literature in individuals affected with POR-related conditions. In summary, the available evidence is currently insufficient to determine the role of this variant in disease. Therefore, it has been classified as a Variant of Uncertain Significance.

NM_001395413.1(POR):c.1178CCTCGGAGC[3] (p.Glu398_Gln399insProSerGlu)

Gene: POR (cytochrome p450 oxidoreductase; plus strand). Cytogenetic location: 7q11.23.
Variant type: Microsatellite.
Coding change: c.1178CCTCGGAGC[3] on transcript NM_001395413.1 (MANE Select); three copies in a row of the 9-base unit CCTCGGAGC starting at c.1178; the reference has two copies in a row; one copy, 9 bases duplicated.
Protein change: p.Glu398_Gln399insProSerGlu.
Genome position (GRCh38, 1-based): chr7:75,984,906-75,984,914, CCTCGGAGC duplicated; duplicating any 9 consecutive bases within chr7:75,984,897-75,984,914 gives the same sequence; the position shown is the placement nearest the transcript's 3' end. VCF-style (leftmost placement, unchanged base first): chr7-75984896-G-GCCTCGGAGC. GRCh37 (hg19) VCF-style: chr7-75614214-G-GCCTCGGAGC.
Other names: c.1178CCTCGGAGC[3], p.Glu398_Gln399insProSerGlu (NM_001367562.3, NM_001382657.2, NM_001382658.3 and 2 more transcripts); c.1232CCTCGGAGC[3], p.Glu416_Gln417insProSerGlu (NM_001382655.3).
Identifiers: ClinVar variation 3682460 (VCV003682460.2).